The following is an entry in ClinVar:

ClinVar aggregate classification (germline): Uncertain significance. Review status: criteria provided, single submitter (1 of 4 stars). 2 submissions from 2 submitters: Uncertain significance (1). 1 of the submissions does not count toward it. Last evaluated 2024-07-31.

Conditions:
X-linked Alport syndrome (ATS1). Also called: COL4A5-Related Nephropathy; NEPHROPATHY AND DEAFNESS, X-LINKED. Identifiers: Orphanet 63, Orphanet 88917, MedGen C4746986, MONDO:0010520, OMIM 301050.

Submissions (2):

Institute of Human Genetics, University of Leipzig Medical Center
Classification: Uncertain significance for X-linked Alport syndrome. Last evaluated: 2024-07-31. Review status: criteria provided, single submitter. Criteria: ACMG Guidelines, 2015. Collection method: clinical testing. Allele origin: unknown. Inheritance: X-linked dominant inheritance. Affected: yes.
Comment: Criteria applied: PM2,PP2,PP3

Bioscientia Institut fuer Medizinische Diagnostik GmbH, Sonic Healthcare
Classification: Uncertain significance for X-linked Alport syndrome. Last evaluated: 2017-04-20. Review status: no assertion criteria provided. Collection method: clinical testing. Allele origin: germline. Affected: yes. Not counted in ClinVar's aggregate classification.

NM_033380.3(COL4A5):c.4895C>T (p.Ser1632Leu)

Gene: COL4A5 (collagen type IV alpha 5 chain; plus strand). Cytogenetic location: Xq22.3.
Variant type: single nucleotide variant.
Coding change: c.4895C>T on transcript NM_033380.3 (MANE Select); coding-DNA position 4895, C replaced by T.
Protein change: p.Ser1632Leu; replaces serine 1632 with leucine.
Molecular consequence: missense variant.
Genome position (GRCh38, 1-based): chrX:108,695,340, C>T. VCF-style: chrX-108695340-C-T. GRCh37 (hg19) VCF-style: chrX-107938570-C-T.
Other names: c.4877C>T, p.Ser1626Leu (NM_000495.5); short protein forms S1626L, S1632L.
Identifiers: ClinVar variation 438652 (VCV000438652.4), dbSNP rs1556463567, ClinGen allele CA414132794.